The following is an entry in ClinVar:

NM_000206.3(IL2RG):c.514C>A (p.Leu172Met)

Gene: IL2RG (interleukin 2 receptor subunit gamma; minus strand). Cytogenetic location: Xq13.1.
Variant type: single nucleotide variant.
Coding change: c.514C>A on transcript NM_000206.3 (MANE Select); coding-DNA position 514, C replaced by A.
Protein change: p.Leu172Met; replaces leucine 172 with methionine.
Molecular consequence: missense variant.
Genome position (GRCh38, 1-based): chrX:71,110,236, G>T on the plus strand (C>A on the coding strand, the complement: IL2RG is on the minus strand). VCF-style: chrX-71110236-G-T. GRCh37 (hg19) VCF-style: chrX-70330086-G-T.
Other names: short protein forms L172M.
Identifiers: ClinVar variation 1044346 (VCV001044346.8), dbSNP rs141707292, ClinGen allele CA10443857.
Genomic context (GRCh38, chrX:71,110,236, plus strand): 5'-CAGTCCGGTACTGCACCAAGTGCTCCAAACAGTGGTTCAAGAATCTGTTGTTCCAGTTCA[G>T]TTCTAGCTGGGATTCACTCAGTTTGTGAAGTGTTAGGTTCTCTGGAGCCCAGGGGATCAC-3'
Protein context (NP_000197.1, residues 162-182): LHKLSESQLE[Leu172Met]NWNNRFLNHC

ClinVar aggregate classification (germline): Likely pathogenic (1 of 4 stars; one submission).

Conditions:
X-linked severe combined immunodeficiency (SCIDX1). Also called: X-Linked Combined Immunodeficiency Diseases; IMMUNODEFICIENCY 4; SCID, X-LINKED; SEVERE COMBINED IMMUNODEFICIENCY, X-LINKED, T CELL-NEGATIVE, B CELL-POSITIVE, NK CELL-NEGATIVE; T-B+ severe combined immunodeficiency due to gamma chain deficiency. Identifiers: Orphanet 276, MedGen C6022468, MONDO:0010315, OMIM 300400. Disease mechanism: loss of function.

Allele frequency attached by ClinVar (database versions not stated): ExAC 0.00002; TOPMed 0.00002; gnomAD 0.00003 and 0.00004; ESP Exome Variant Server 0.00019.
gnomAD v4.1: 16 of 1,207,263 alleles (0.0013%); highest among the groups gnomAD compares: Non-Finnish European, 0.0017%; no homozygotes.

Submission:

Labcorp Genetics (formerly Invitae), Labcorp
Classification: Likely pathogenic for X-linked severe combined immunodeficiency. Last evaluated: 2025-09-14. Review status: criteria provided, single submitter. Criteria: Invitae Variant Classification Sherloc (09022015). Collection method: clinical testing. Allele origin: germline.
Comment: This sequence change replaces leucine, which is neutral and non-polar, with methionine, which is neutral and non-polar, at codon 172 of the IL2RG protein (p.Leu172Met). This variant is present in population databases (rs141707292, gnomAD 0.006%), including at least one homozygous and/or hemizygous individual. This variant has not been reported in the literature in individuals affected with IL2RG-related conditions. ClinVar contains an entry for this variant (Variation ID: 1044346). Invitae Evidence Modeling of protein sequence and biophysical properties (such as structural, functional, and spatial information, amino acid conservation, physicochemical variation, residue mobility, and thermodynamic stability) indicates that this missense variant is expected to disrupt IL2RG protein function with a positive predictive value of 95%. This variant disrupts the p.Leu172 amino acid residue in IL2RG. Other variant(s) that disrupt this residue have been observed in individuals with IL2RG-related conditions (PMID: 9058718, 33628209), which suggests that this may be a clinically significant amino acid residue. In summary, the currently available evidence indicates that the variant is pathogenic, but additional data are needed to prove that conclusively. Therefore, this variant has been classified as Likely Pathogenic.

Literature cited by the submitters: PubMed 9058718; PubMed 33628209.